The following is an entry in ClinVar:

NM_018109.4(MTPAP):c.479G>A (p.Arg160Gln)

Gene: MTPAP (mitochondrial poly(A) polymerase; minus strand). Cytogenetic location: 10p11.23.
Variant type: single nucleotide variant.
Coding change: c.479G>A on transcript NM_018109.4 (MANE Select); coding-DNA position 479, G replaced by A.
Protein change: p.Arg160Gln; replaces arginine 160 with glutamine.
Molecular consequence: missense variant.
Genome position (GRCh38, 1-based): chr10:30,340,302, C>T on the plus strand (G>A on the coding strand, the complement: MTPAP is on the minus strand). VCF-style: chr10-30340302-C-T. GRCh37 (hg19) VCF-style: chr10-30629231-C-T.
Other names: short protein forms R160Q.
Identifiers: ClinVar variation 2181697 (VCV002181697.1), dbSNP rs528437901, ClinGen allele CA5459185.

ClinVar aggregate classification (germline): Uncertain significance (1 of 4 stars; one submission).

Allele frequency attached by ClinVar (database versions not stated): ExAC 0.00001; gnomAD 0.00005; TOPMed 0.00005; 1000 Genomes Project 0.00020; 1000 Genomes Project 30x 0.00031.
gnomAD v4.1: 33 of 1,614,116 alleles (0.002%); highest among the groups gnomAD compares: Middle Eastern, 0.016%; no homozygotes.

Submission:

Labcorp Genetics (formerly Invitae), Labcorp
Classification: Uncertain significance. Last evaluated: 2022-04-07. Review status: criteria provided, single submitter. Criteria: Invitae Variant Classification Sherloc (09022015). Collection method: clinical testing. Allele origin: germline.
Comment: This sequence change replaces arginine, which is basic and polar, with glutamine, which is neutral and polar, at codon 160 of the MTPAP protein (p.Arg160Gln). This variant is present in population databases (rs528437901, gnomAD 0.004%). This variant has not been reported in the literature in individuals affected with MTPAP-related conditions. Algorithms developed to predict the effect of missense changes on protein structure and function output the following: SIFT: "Tolerated"; PolyPhen-2: "Benign"; Align-GVGD: "Class C0". The glutamine amino acid residue is found in multiple mammalian species, which suggests that this missense change does not adversely affect protein function. In summary, the available evidence is currently insufficient to determine the role of this variant in disease. Therefore, it has been classified as a Variant of Uncertain Significance.